The following is an entry in ClinVar:

ClinVar aggregate classification (germline): Conflicting classifications of pathogenicity. Review status: criteria provided, conflicting classifications (1 of 4 stars). 5 submissions from 5 submitters: Likely pathogenic (1); Uncertain significance (4). Last evaluated 2025-09-29.

Conditions:
Cardiomyopathy (CMYO). Also called: Cardiomyopathies. Identifiers: Orphanet 167848, MedGen C0878544, MONDO:0004994, HP:0001638. Inheritance: Various modes of inheritance.
Hypertrophic cardiomyopathy. Also called: HYPERTROPHIC MYOCARDIOPATHY. Identifiers: Orphanet 217569, MedGen C0007194, MeSH D002312, MONDO:0005045, HP:0001639.

gnomAD v4.1: 1 of 1,614,212 alleles (0.000062%); no homozygotes.

Submissions (5):

Labcorp Genetics (formerly Invitae), Labcorp
Classification: Likely pathogenic for Hypertrophic cardiomyopathy. Last evaluated: 2025-09-29. Review status: criteria provided, single submitter. Criteria: Invitae Variant Classification Sherloc (09022015). Collection method: clinical testing. Allele origin: germline.
Comment: This sequence change replaces threonine, which is neutral and polar, with lysine, which is basic and polar, at codon 1760 of the MYH7 protein (p.Thr1760Lys). This variant is not present in population databases (gnomAD no frequency). This variant has not been reported in the literature in individuals affected with MYH7-related conditions. ClinVar contains an entry for this variant (Variation ID: 665998). Invitae Evidence Modeling of protein sequence and biophysical properties (such as structural, functional, and spatial information, amino acid conservation, physicochemical variation, residue mobility, and thermodynamic stability) indicates that this missense variant is expected to disrupt MYH7 protein function with a positive predictive value of 95%. This variant disrupts the p.Thr1760 amino acid residue in MYH7. Other variant(s) that disrupt this residue have been determined to be pathogenic (PMID: 18409188, 20513729; internal data). This suggests that this residue is clinically significant, and that variants that disrupt this residue are likely to be disease-causing. In summary, the currently available evidence indicates that the variant is pathogenic, but additional data are needed to prove that conclusively. Therefore, this variant has been classified as Likely Pathogenic.

Color Diagnostics, LLC DBA Color Health
Classification: Uncertain significance for Cardiomyopathy. Last evaluated: 2025-07-14. Review status: criteria provided, single submitter. Criteria: ACMG Guidelines, 2015. Collection method: clinical testing. Allele origin: germline.
Comment: This missense variant replaces threonine with lysine at codon 1760 of the MYH7 protein. Computational prediction suggests that this variant may have a deleterious impact on protein structure and function. To our knowledge, functional studies have not been reported for this variant. This variant has been reported in individuals affected with hypertrophic cardiomyopathy (PMID: 34542152, 38489124). This variant has not been identified in the general population by the Genome Aggregation Database (gnomAD). The available evidence is insufficient to determine the role of this variant in disease conclusively. Therefore, this variant is classified as a Variant of Uncertain Significance.

All of Us Research Program, National Institutes of Health
Classification: Uncertain significance for Cardiomyopathy. Last evaluated: 2024-01-11. Review status: criteria provided, single submitter. Criteria: ACMG Guidelines, 2015. Collection method: clinical testing. Allele origin: germline. Inheritance: Autosomal dominant inheritance. Observed: 1 variant allele, 1 heterozygote.
Comment: This study involves interpretation of variants in research participants for the purpose of population health screening. Participant phenotype was not available at the time of variant classification. Additional details can be found in publication PMID: 35346344, PMCID: PMC8962531

Women's Health and Genetics/Laboratory Corporation of America, LabCorp
Classification: Uncertain significance. Last evaluated: 2023-11-13. Review status: criteria provided, single submitter. Criteria: LabCorp Variant Classification Summary - May 2015. Collection method: clinical testing. Allele origin: germline.
Comment: Variant summary: MYH7 c.5279C>A (p.Thr1760Lys) results in a non-conservative amino acid change in the encoded protein sequence. Four of five in-silico tools predict a damaging effect of the variant on protein function. The variant was absent in 251484 control chromosomes. The available data on variant occurrences in the general population are insufficient to allow any conclusion about variant significance. c.5279C>A has been reported in the literature in at least one individual affected with hypertrophic cardiomyopathy and one unaffected individual (e.g. Park_2022). These report(s) do not provide unequivocal conclusions about association of the variant with Cardiomyopathy. To our knowledge, no experimental evidence demonstrating an impact on protein function has been reported. The following publication has been ascertained in the context of this evaluation (PMID: 34542152). Two submitters have cited clinical-significance assessments for this variant to ClinVar after 2014. All submitters classified the variant as uncertain significance. Based on the evidence outlined above, the variant was classified as uncertain significance.

GeneDx
Classification: Uncertain significance. Last evaluated: 2018-08-27. Review status: criteria provided, single submitter. Criteria: GeneDx Variant Classification Process June 2021. Collection method: clinical testing. Allele origin: germline. Affected: yes.

Literature cited by the submitters: PubMed 18409188 (cited by Labcorp Genetics (formerly Invitae), Labcorp); PubMed 20513729 (cited by Labcorp Genetics (formerly Invitae), Labcorp); PubMed 34542152 (cited by Color Diagnostics, LLC DBA Color Health and Women's Health and Genetics/Laboratory Corporation of America, LabCorp); PubMed 38489124 (cited by Color Diagnostics, LLC DBA Color Health).

NM_000257.4(MYH7):c.5279C>A (p.Thr1760Lys)

Genes: MYH7 (myosin heavy chain 7; minus strand), LOC126861897 (BRD4-independent group 4 enhancer GRCh37_chr14:23884455-23885654; plus strand). Cytogenetic location: 14q11.2.
Variant type: single nucleotide variant.
Coding change: c.5279C>A on transcript NM_000257.4 (MANE Select); coding-DNA position 5279, C replaced by A.
Protein change: p.Thr1760Lys; replaces threonine 1760 with lysine.
Molecular consequence: missense variant.
Genome position (GRCh38, 1-based): chr14:23,415,385, G>T on the plus strand (C>A on the coding strand, the complement: MYH7 is on the minus strand). VCF-style: chr14-23415385-G-T. GRCh37 (hg19) VCF-style: chr14-23884594-G-T.
Other names: short protein forms T1760K.
Identifiers: ClinVar variation 665998 (VCV000665998.12), dbSNP rs727505294, ClinGen allele CA389036055.